The following is an entry in ClinVar:

ClinVar aggregate classification (germline): Conflicting classifications of pathogenicity. Review status: criteria provided, conflicting classifications (1 of 4 stars). 4 submissions from 4 submitters: Uncertain significance (3); Likely benign (1). Last evaluated 2026-01-20.

Conditions:
Hereditary cancer-predisposing syndrome. Also called: Tumor predisposition; Hereditary Cancer Syndrome; Hereditary neoplastic syndrome; Neoplastic Syndromes, Hereditary. Identifiers: Orphanet 140162, MedGen C0027672, MeSH D009386, MONDO:0015356.
Neurofibromatosis, type 2 (SWNV). Also called: SCHWANNOMATOSIS, VESTIBULAR; NF2-Related Schwannomatosis; BILATERAL ACOUSTIC NEUROFIBROMATOSIS. Identifiers: Orphanet 637, MedGen C0027832, MONDO:0007039, OMIM 101000. Disease mechanism: loss of function.

Allele frequency attached by ClinVar (database versions not stated): TOPMed 0.00001.
gnomAD v4.1: 4 of 1,613,894 alleles (0.00025%); highest among the groups gnomAD compares: Admixed American, 0.0017%; no homozygotes.

Submissions (4):

Labcorp Genetics (formerly Invitae), Labcorp
Classification: Uncertain significance for Neurofibromatosis, type 2. Last evaluated: 2026-01-20. Review status: criteria provided, single submitter. Criteria: Invitae Variant Classification Sherloc (09022015). Collection method: clinical testing. Allele origin: germline.
Comment: This sequence change replaces alanine, which is neutral and non-polar, with serine, which is neutral and polar, at codon 340 of the NF2 protein (p.Ala340Ser). This variant is not present in population databases (gnomAD no frequency). This variant has not been reported in the literature in individuals affected with NF2-related conditions. ClinVar contains an entry for this variant (Variation ID: 412217). Invitae Evidence Modeling of protein sequence and biophysical properties (such as structural, functional, and spatial information, amino acid conservation, physicochemical variation, residue mobility, and thermodynamic stability) indicates that this missense variant is not expected to disrupt NF2 protein function with a negative predictive value of 80%. In summary, the available evidence is currently insufficient to determine the role of this variant in disease. Therefore, it has been classified as a Variant of Uncertain Significance.

Ambry Genetics
Classification: Likely benign for Hereditary cancer-predisposing syndrome. Last evaluated: 2024-04-08. Review status: criteria provided, single submitter. Criteria: Ambry Variant Classification Scheme 2023. Collection method: clinical testing. Allele origin: germline.

All of Us Research Program, National Institutes of Health
Classification: Uncertain significance for Neurofibromatosis, type 2. Last evaluated: 2024-03-05. Review status: criteria provided, single submitter. Criteria: ACMG Guidelines, 2015. Collection method: clinical testing. Allele origin: germline. Inheritance: Autosomal dominant inheritance. Observed: 5 variant alleles, 5 heterozygotes.
Comment: This missense variant replaces alanine with serine at codon 340 of the NF2 protein. Computational prediction suggests that this variant may not impact protein structure and function (internally defined REVEL score threshold <= 0.5, PMID: 27666373). To our knowledge, functional studies have not been reported for this variant. This variant has not been reported in individuals affected with NF2-related disorders in the literature. This variant has not been identified in the general population by the Genome Aggregation Database (gnomAD). The available evidence is insufficient to determine the role of this variant in disease conclusively. Therefore, this variant is classified as a Variant of Uncertain Significance.

This study involves interpretation of variants in research participants for the purpose of population health screening. Participant phenotype was not available at the time of variant classification. Additional details can be found in publication PMID: 35346344, PMCID: PMC8962531

Genome-Nilou Lab
Classification: Uncertain significance for Neurofibromatosis, type 2. Last evaluated: 2021-11-07. Review status: criteria provided, single submitter. Criteria: ACMG Guidelines, 2015. Collection method: clinical testing. Allele origin: germline. Affected: no.

NM_000268.4(NF2):c.1018G>T (p.Ala340Ser)

Gene: NF2 (NF2, moesin-ezrin-radixin like (MERLIN) tumor suppressor; plus strand). Cytogenetic location: 22q12.2.
Variant type: single nucleotide variant.
Coding change: c.1018G>T on transcript NM_000268.4 (MANE Select); coding-DNA position 1018, G replaced by T.
Protein change: p.Ala340Ser; replaces alanine 340 with serine.
Molecular consequence: missense variant. On other transcripts: non-coding transcript variant (1), intron variant (1).
Genome position (GRCh38, 1-based): chr22:29,671,844, G>T. VCF-style: chr22-29671844-G-T. GRCh37 (hg19) VCF-style: chr22-30067833-G-T.
Other names: c.1018G>T, p.Ala340Ser (NM_016418.5, NM_181825.3, NM_181832.3); c.892G>T, p.Ala298Ser (NM_181828.3); c.895G>T, p.Ala299Ser (NM_181829.3); c.769G>T, p.Ala257Ser (NM_181830.3, NM_181831.3); c.448-22908G>T (NM_181833.3); short protein forms A340S, A299S, A257S, A298S.
Identifiers: ClinVar variation 412217 (VCV000412217.16), dbSNP rs780430071, ClinGen allele CA16616604.